The following is an entry in ClinVar:

NM_001039660.2(IL18BP):c.359+9_359+10delinsGCTCCCAACCCGACCCTGGGAACCTCTGTGCCCATAGCCCACCCTCCACCACTGTGCTTCTTACTCAGTGGCACTTCCACCTCTGGCCAGGTCACTTCCAATGCTGGACACTGCTTAGCTGCTGGGAACACTGGGGGCTGGGAGGGGCAGGGGTCCTTTGTGCTTCTAACTGAGGCAGTGGCAGCTGTGGTGGTCTGCGAGACAGGTGTGGCTCTGACCAGGAGAGTGACGACGTGGGCACACAGGAGCAGGACCCACAAAGGGCTGAGGTCTGAGGAAAGGA

Gene: IL18BP (interleukin 18 binding protein; plus strand). Cytogenetic location: 11q13.4.
Variant type: Indel.
Coding change: c.359+9_359+10delinsGCTCCCAACCCGACCCTGGGAACCTCTGTGCCCATAGCCCACCCTCCACCACTGTGCTTCTTACTCAGTGGCACTTCCACCTCTGGCCAGGTCACTTCCAATGCTGGACACTGCTTAGCTGCTGGGAACACTGGGGGCTGGGAGGGGCAGGGGTCCTTTGTGCTTCTAACTGAGGCAGTGGCAGCTGTGGTGGTCTGCGAGACAGGTGTGGCTCTGACCAGGAGAGTGACGACGTGGGCACACAGGAGCAGGACCCACAAAGGGCTGAGGTCTGAGGAAAGGA on transcript NM_001039660.2 (MANE Select); bases 9 to 10 of the intron after coding-DNA position 359, the reference bases replaced by an inserted sequence.
Molecular consequence: intron variant.
Genome position (GRCh38, 1-based): chr11:72,001,333-72,001,334, 2 bases replaced. GRCh37 (hg19): chr11:71,712,379-71,712,380.
Other names: c.359+9_359+10delinsGCTCCCAACCCGACCCTGGGAACCTCTGTGCCCATAGCCCACCCTCCACCACTGTGCTTCTTACTCAGTGGCACTTCCACCTCTGGCCAGGTCACTTCCAATGCTGGACACTGCTTAGCTGCTGGGAACACTGGGGGCTGGGAGGGGCAGGGGTCCTTTGTGCTTCTAACTGAGGCAGTGGCAGCTGTGGTGGTCTGCGAGACAGGTGTGGCTCTGACCAGGAGAGTGACGACGTGGGCACACAGGAGCAGGACCCACAAAGGGCTGAGGTCTGAGGAAAGGA (NM_001039659.2, NM_173044.3, NM_005699.3 and 2 more transcripts); c.236-451_236-450delinsGCTCCCAACCCGACCCTGGGAACCTCTGTGCCCATAGCCCACCCTCCACCACTGTGCTTCTTACTCAGTGGCACTTCCACCTCTGGCCAGGTCACTTCCAATGCTGGACACTGCTTAGCTGCTGGGAACACTGGGGGCTGGGAGGGGCAGGGGTCCTTTGTGCTTCTAACTGAGGCAGTGGCAGCTGTGGTGGTCTGCGAGACAGGTGTGGCTCTGACCAGGAGAGTGACGACGTGGGCACACAGGAGCAGGACCCACAAAGGGCTGAGGTCTGAGGAAAGGA (NM_001145055.1).
Identifiers: ClinVar variation 2709311 (VCV002709311.3), dbSNP rs2495854419, ClinGen allele CA2697548795.

ClinVar aggregate classification (germline): Uncertain significance (1 of 4 stars; one submission).

Submission:

Labcorp Genetics (formerly Invitae), Labcorp
Classification: Uncertain significance. Last evaluated: 2024-01-14. Review status: criteria provided, single submitter. Criteria: Invitae Variant Classification Sherloc (09022015). Collection method: clinical testing. Allele origin: germline.
Comment: This sequence change falls in intron 3 of the IL18BP gene. It does not directly change the encoded amino acid sequence of the IL18BP protein. This variant is not present in population databases (gnomAD no frequency). This variant has not been reported in the literature in individuals affected with IL18BP-related conditions. Experimental studies and prediction algorithms are not available or were not evaluated, and the effect of this variant on mRNA splicing is currently unknown. In summary, the available evidence is currently insufficient to determine the role of this variant in disease. Therefore, it has been classified as a Variant of Uncertain Significance.